The following is an entry in ClinVar:

NM_000057.4(BLM):c.2208T>G (p.Tyr736Ter)

Gene: BLM (BLM RecQ like helicase; plus strand). Cytogenetic location: 15q26.1.
Variant type: single nucleotide variant.
Coding change: c.2208T>G on transcript NM_000057.4 (MANE Select); coding-DNA position 2208, T replaced by G.
Protein change: p.Tyr736Ter; replaces tyrosine 736 with a stop codon.
Molecular consequence: nonsense.
Genome position (GRCh38, 1-based): chr15:90,766,924, T>G. VCF-style: chr15-90766924-T-G. GRCh37 (hg19) VCF-style: chr15-91310154-T-G.
Other names: c.2208T>G, p.Tyr736Ter (NM_001287246.2, NM_001287247.2); c.1083T>G, p.Tyr361Ter (NM_001287248.2); short protein forms Y736*, Y361*.
Identifiers: ClinVar variation 2148520 (VCV002148520.3), dbSNP rs865899765, ClinGen allele CA274741639.

ClinVar aggregate classification (germline): Pathogenic/Likely pathogenic. Review status: criteria provided, multiple submitters, no conflicts (2 of 4 stars). 2 submissions from 2 submitters: Pathogenic (1); Likely pathogenic (1). Last evaluated 2025-12-09.

Conditions:
Bloom syndrome (BLM). Also called: Bloom-Torre-Machacek syndrome. Identifiers: Orphanet 125, MedGen C0005859, MONDO:0008876, OMIM 210900.

Allele frequency attached by ClinVar (database versions not stated): TOPMed 0.00014.

Submissions (2):

Dasa
Classification: Likely pathogenic for Bloom syndrome. Last evaluated: 2025-12-09. Review status: criteria provided, single submitter. Criteria: DASA Assertion Criteria. Collection method: clinical testing. Allele origin: germline.
Comment: NM_000057.4(BLM):c.2208T>G (p.Tyr736*) is a nonsense variant in BLM predicted to introduce a premature termination codon and is predicted to result in an absent or altered protein product. Loss of function is an established disease mechanism for BLM-associated disorders. Also, this variant is rare in population databases. Based on the currently available evidence, this variant is classified as likely pathogenic.

Labcorp Genetics (formerly Invitae), Labcorp
Classification: Pathogenic for Bloom syndrome. Last evaluated: 2022-09-30. Review status: criteria provided, single submitter. Criteria: Invitae Variant Classification Sherloc (09022015). Collection method: clinical testing. Allele origin: germline.
Comment: This sequence change creates a premature translational stop signal (p.Tyr736*) in the BLM gene. It is expected to result in an absent or disrupted protein product. Loss-of-function variants in BLM are known to be pathogenic (PMID: 17407155). This variant is not present in population databases (gnomAD no frequency). This variant has not been reported in the literature in individuals affected with BLM-related conditions. For these reasons, this variant has been classified as Pathogenic.

Literature cited by the submitters: PubMed 17407155 (cited by Labcorp Genetics (formerly Invitae), Labcorp).